The following is an entry in ClinVar:

NM_006612.6(KIF1C):c.223C>T (p.Arg75Trp)

Gene: KIF1C (kinesin family member 1C; plus strand). Cytogenetic location: 17p13.2.
Variant type: single nucleotide variant.
Coding change: c.223C>T on transcript NM_006612.6 (MANE Select); coding-DNA position 223, C replaced by T.
Protein change: p.Arg75Trp; replaces arginine 75 with tryptophan.
Molecular consequence: missense variant.
Genome position (GRCh38, 1-based): chr17:5,001,261, C>T. VCF-style: chr17-5001261-C-T. GRCh37 (hg19) VCF-style: chr17-4904556-C-T.
Other names: short protein forms R75W.
Identifiers: ClinVar variation 645476 (VCV000645476.7), dbSNP rs201085674, ClinGen allele CA8318488.

ClinVar aggregate classification (germline): Uncertain significance. Review status: criteria provided, multiple submitters, no conflicts (2 of 4 stars). 2 submissions from 2 submitters: Uncertain significance (2). Last evaluated 2024-11-25.

Conditions:
Inborn genetic diseases. Identifiers: MedGen C0950123, MeSH D030342.
Spastic ataxia 2. Also called: Ataxia, spastic, 2, autosomal recessive. Identifiers: Orphanet 397946, MedGen C1969796, MONDO:0012651, OMIM 611302.

Allele frequency attached by ClinVar (database versions not stated): ExAC 0.00002; 1000 Genomes Project 0.00020; 1000 Genomes Project 30x 0.00016; TOPMed 0.00001.
gnomAD v4.1: 19 of 1,614,116 alleles (0.0012%); highest among the groups gnomAD compares: African/African-American, 0.0027%; no homozygotes.

Submissions (2):

Ambry Genetics
Classification: Uncertain significance for Inborn genetic diseases. Last evaluated: 2024-11-25. Review status: criteria provided, single submitter. Criteria: Ambry Variant Classification Scheme 2023. Collection method: clinical testing. Allele origin: germline.

Labcorp Genetics (formerly Invitae), Labcorp
Classification: Uncertain significance for Spastic ataxia 2. Last evaluated: 2021-08-13. Review status: criteria provided, single submitter. Criteria: Invitae Variant Classification Sherloc (09022015). Collection method: clinical testing. Allele origin: germline.
Comment: This sequence change replaces arginine with tryptophan at codon 75 of the KIF1C protein (p.Arg75Trp). The arginine residue is highly conserved and there is a moderate physicochemical difference between arginine and tryptophan. This variant is present in population databases (rs201085674, ExAC 0.01%). This variant has not been reported in the literature in individuals affected with KIF1C-related conditions. Algorithms developed to predict the effect of missense changes on protein structure and function are either unavailable or do not agree on the potential impact of this missense change (SIFT: "Deleterious"; PolyPhen-2: "Benign"; Align-GVGD: "Class C0"). In summary, the available evidence is currently insufficient to determine the role of this variant in disease. Therefore, it has been classified as a Variant of Uncertain Significance.